The following is an entry in ClinVar:

NM_022124.6(CDH23):c.211G>A (p.Gly71Arg)

Genes: CDH23 (cadherin related 23; plus strand), CDH23-AS1 (CDH23 antisense RNA 1; minus strand). Cytogenetic location: 10q22.1.
Variant type: single nucleotide variant.
Coding change: c.211G>A on transcript NM_022124.6 (MANE Select); coding-DNA position 211, G replaced by A.
Protein change: p.Gly71Arg; replaces glycine 71 with arginine.
Molecular consequence: missense variant.
Genome position (GRCh38, 1-based): chr10:71,510,147, G>A. VCF-style: chr10-71510147-G-A. GRCh37 (hg19) VCF-style: chr10-73269904-G-A.
Other names: c.211G>A, p.Gly71Arg (NM_001171930.2, NM_001171931.2, NM_001171932.2 and 1 more transcripts); short protein forms G71R.
Identifiers: ClinVar variation 1492169 (VCV001492169.8), dbSNP rs2132196025, ClinGen allele CA377114252.

ClinVar aggregate classification (germline): Uncertain significance (1 of 4 stars; one submission).

Submission:

Labcorp Genetics (formerly Invitae), Labcorp
Classification: Uncertain significance. Last evaluated: 2021-04-28. Review status: criteria provided, single submitter. Criteria: Invitae Variant Classification Sherloc (09022015). Collection method: clinical testing. Allele origin: germline.
Comment: This sequence change replaces glycine with arginine at codon 71 of the CDH23 protein (p.Gly71Arg). The glycine residue is highly conserved and there is a moderate physicochemical difference between glycine and arginine. This variant is not present in population databases (ExAC no frequency). In summary, the available evidence is currently insufficient to determine the role of this variant in disease. Therefore, it has been classified as a Variant of Uncertain Significance. Algorithms developed to predict the effect of sequence changes on RNA splicing suggest that this variant may create or strengthen a splice site, but this prediction has not been confirmed by published transcriptional studies. Algorithms developed to predict the effect of missense changes on protein structure and function are either unavailable or do not agree on the potential impact of this missense change (SIFT: "Deleterious"; PolyPhen-2: "Not Available"; Align-GVGD: "Class C0"). This variant has not been reported in the literature in individuals with CDH23-related conditions.